The following is an entry in ClinVar:

ClinVar aggregate classification (germline): Pathogenic. Review status: reviewed by expert panel (3 of 4 stars). 25 submissions from 25 submitters: Pathogenic (1). 24 of the submissions do not count toward it. Last evaluated 2018-09-17.

Conditions:
Monogenic hearing loss.
Rare genetic deafness. Identifiers: Orphanet 96210, MedGen C5680250.
SLC26A4-related disorder. Also called: SLC26A4-related condition; SLC26A4-related disorders.
Autosomal recessive nonsyndromic hearing loss 4 (DFNB4). Also called: FOXI1-Related Pendred Syndrome; KCNJ10-Related Pendred Syndrome; DEAFNESS, AUTOSOMAL RECESSIVE 4, WITH ENLARGED VESTIBULAR AQUEDUCT, DIGENIC; Deafness, autosomal recessive 4; Nonsyndromic enlarged vestibular aqueduct (NSEVA); NEUROSENSORY NONSYNDROMIC RECESSIVE DEAFNESS 4. Identifiers: Orphanet 90636, MedGen C3538946, MONDO:0010933, OMIM 600791.
Pendred syndrome (PDS). Also called: Pendred's syndrome; DEAFNESS WITH GOITER; GOITER-DEAFNESS SYNDROME; HYPOTHYROIDISM, CONGENITAL, DUE TO DYSHORMONOGENESIS, 2B; THYROID DYSHORMONOGENESIS 2B; THYROID HORMONOGENESIS, GENETIC DEFECT IN, 2B. Identifiers: Orphanet 705, MedGen C0271829, MONDO:0010134, OMIM 274600.
Hearing loss, autosomal recessive. Also called: Deafness, autosomal recessive; Rare autosomal recessive non-syndromic sensorineural deafness type DFNB; Autosomal recessive nonsyndromic deafness; Nonsyndromic Hearing Loss, Recessive. Identifiers: Orphanet 90635, Orphanet 90636, MedGen C1846647, MONDO:0019588, OMIM 607197.

Allele frequency attached by ClinVar (database versions not stated): gnomAD 0.00004 and 0.00005; TOPMed 0.00006; 1000 Genomes Project 30x 0.00016; ExAC 0.00019; 1000 Genomes Project 0.00020; ESP Exome Variant Server 0.00023.
gnomAD v4.1: 234 of 1,611,790 alleles (0.015%); highest among the groups gnomAD compares: East Asian, 0.067%; 1 homozygote.

Submissions 1 to 8 of 25:

ClinGen Hearing Loss Variant Curation Expert Panel
Classification: Pathogenic for Pendred syndrome. Last evaluated: 2018-09-17. Review status: reviewed by expert panel. Criteria: ClinGen HL ACMG Specifications v1. Collection method: curation. Allele origin: germline. Inheritance: Autosomal recessive inheritance.
Comment: This variant has been detected in patients with hearing loss in trans with at least 4 pathogenic or suspected-pathogenic variants (PM3_VeryStrong; PMID: 25372295, 23638949, 25468468, 24338212, 25394566, 19786220, 19017801, 27541434, 21366435, 17309986, 24007330, 24224479, 21961810, 2844304, 19509082, 15811013). The p.Thr410Met variant in SLC26A4 has been reported to segregate in an autosomal recessive pattern with hearing loss in at least 7 family members (PP1_Strong; PMID: 19017801, 9618167, 15811013). Computational prediction tools and conservation analysis suggest that the p.Thr410Met variant may impact the protein (PP3). At least one patient with a variant in this gene displayed features of EVA or Mondini malformation (PP4; PMID: 15355436, 15811013). The allele frequency of the p.Thr410Met variant in the SLC26A4 gene is 0.062% (19/30782) of South Asian chromosomes by the Genome Aggregation Database, which is a low enough frequency to award PM2_Supporting based on the thresholds defined by the ClinGen Hearing Loss Expert Panel for autosomal recessive hearing loss (PM2_Supporting). In summary, this variant meets criteria to be classified as pathogenic for autosomal recessive Pendred syndrome based on the ACMG/AMP criteria applied, as specified by the Hearing Loss Expert Panel: PM3_VS, PP1_S, PP3, PS3_P, PM2_P, PP4.

PreventionGenetics, part of Exact Sciences
Classification: Pathogenic for SLC26A4-related condition. Last evaluated: 2026-04-20. Review status: criteria provided, single submitter. Criteria: ACMG Guidelines, 2015. Collection method: clinical testing. Allele origin: germline. Not counted in ClinVar's aggregate classification.
Comment: The SLC26A4 c.1229C>T variant is predicted to result in the amino acid substitution p.Thr410Met. This variant has been reported as causative for Pendred syndrome and resulted in aberrant subcellular localization and iodide efflux in functional studies (Coyle et al. 1998. PubMed ID: 9618167; Taylor et al. 2002. PubMed ID: 11932316; Ladsous et al. 2014. PubMed ID: 24224479; Wasano et al. 2019. PubMed ID: 31599023). This variant is reported in 0.059% of alleles in individuals of South Asian descent in gnomAD. This variant is interpreted as pathogenic.

Division of Genetic & Genomic Pathology, Hong Kong Children's Hospital
Classification: Pathogenic for Pendred syndrome. Last evaluated: 2026-04-13. Review status: criteria provided, single submitter. Criteria: ACMG Guidelines, 2015. Collection method: clinical testing. Allele origin: germline. Affected: yes. Not counted in ClinVar's aggregate classification.
Comment: SLC26A4 c.1229C>T p.(Thr410Met) is a missense variant located in exon 10. This variant is classified as pathogenic for autosomal recessive Pendred syndrome by the ClinGen Hearing Loss Variant Curation Expert Panel (ClinVar: VCV000043498.46). This variant was inherited in trans with another missense variant.

Department of Otolaryngology Head and Neck Surgery, Hainan Hospital of the Chinese People’s Liberation Army General Hospital
Classification: Pathogenic for Autosomal recessive nonsyndromic hearing loss 4. Last evaluated: 2026-02-01. Review status: criteria provided, single submitter. Criteria: ACMG Guidelines, 2015. Collection method: clinical testing. Allele origin: germline. Affected: no. Observed: 1 variant allele. Not counted in ClinVar's aggregate classification.
Comment: The SLC26A4 c.1229C>T (p.Thr410Met) variant is a missense mutation classified as Pathogenic for autosomal recessive hearing loss associated with enlarged vestibular aqueduct (EVA), including Pendred syndrome and DFNB4(Accession: VCV000043498.61). It is among the recurrent SLC26A4 mutations identified in Chinese populations and is routinely included in genetic screening panels (Jin 2025;Zhu 2021). The ClinGen Hearing Loss Expert Panel has classified this variant as Pathogenic for Pendred syndrome. Functional studies using prime editing and adenine base editor have targeted this variant as a pathogenic mutation, demonstrating its significance (Jin 2025). In our cohort, heterozygous carriers show no hearing impairment, consistent with autosomal recessive inheritance.

Otogenetics
Classification: Pathogenic for Autosomal recessive nonsyndromic hearing loss 4; Pendred syndrome. Last evaluated: 2026-02-01. Review status: criteria provided, single submitter. Criteria: ACMG Guidelines, 2015. Collection method: clinical testing. Allele origin: germline. Not counted in ClinVar's aggregate classification.

Genetics Research Center, University of Social Welfare and Rehabilitation Sciences
Classification: Pathogenic for Autosomal recessive nonsyndromic hearing loss 4. Last evaluated: 2025-12-09. Review status: criteria provided, single submitter. Criteria: ACMG Guidelines, 2015. Collection method: research. Allele origin: germline. Affected: yes. Not counted in ClinVar's aggregate classification.
Comment: The variant is present at a very low frequency in the gnomAD v2.1.1 dataset (allele frequency: 0.02%) and has been reported in individual(s) affected with DFNB4/Pendred syndrome (PMID: 16711435, 21961810, 24338212, 25266519, 19786220, 24224479, 23469187, 15747138, 25468468, 20842945, 26763877, 15811013, 19509082, 11919333, 24007330, 27771369, 30733538, 32165640, 17718863, 9618167, 16283880, 28444304, 28604962, 28964290, 29372807, 30622556, 30693673, 31035178, 30036422, 31599023, 30842343, 31914302, 31541171, 32417962, 30896630, 30275481, 11932316, 31589614, 32447495, 15905611, 32645618, 33597575). Functional studies demonstrate this variant results in reduced or absent surface expression of the protein and impairs anion exchange activity (PMID: 24007330).

Labcorp Genetics (formerly Invitae), Labcorp
Classification: Pathogenic. Last evaluated: 2025-10-09. Review status: criteria provided, single submitter. Criteria: Invitae Variant Classification Sherloc (09022015). Collection method: clinical testing. Allele origin: germline. Not counted in ClinVar's aggregate classification.
Comment: This sequence change replaces threonine, which is neutral and polar, with methionine, which is neutral and non-polar, at codon 410 of the SLC26A4 protein (p.Thr410Met). This variant is present in population databases (rs111033220, gnomAD 0.06%). This missense change has been observed in individuals with clinical features of Pendred syndrome (PMID: 9618167, 11919333, 11932316, 24224479, 25468468). It has also been observed to segregate with disease in related individuals. ClinVar contains an entry for this variant (Variation ID: 43498). Invitae Evidence Modeling of protein sequence and biophysical properties (such as structural, functional, and spatial information, amino acid conservation, physicochemical variation, residue mobility, and thermodynamic stability) indicates that this missense variant is expected to disrupt SLC26A4 protein function with a positive predictive value of 95%. Experimental studies have shown that this missense change affects SLC26A4 function (PMID: 11932316, 24007330). For these reasons, this variant has been classified as Pathogenic.

Genetics Laboratory, Great Ormond Street Hospital NHS Foundation Trust, North Thames Genomic Laboratory Hub
Classification: Pathogenic for Monogenic hearing loss. Last evaluated: 2025-09-19. Review status: criteria provided, single submitter. Criteria: ACGS Best Practice Guidelines for Variant Classification in Rare Disease 2024 v1.2. Collection method: clinical testing. Allele origin: germline. Affected: yes. Not counted in ClinVar's aggregate classification.
Comment: PM2_supporting, PP3_supporting, PS3_supporting, PP1_strong, PM3_very-strong, PP4_supporting

NM_000441.2(SLC26A4):c.1229C>T (p.Thr410Met)

Gene: SLC26A4 (solute carrier family 26 member 4; plus strand). Cytogenetic location: 7q22.3.
Variant type: single nucleotide variant.
Coding change: c.1229C>T on transcript NM_000441.2 (MANE Select); coding-DNA position 1229, C replaced by T.
Protein change: p.Thr410Met; replaces threonine 410 with methionine.
Molecular consequence: missense variant.
Genome position (GRCh38, 1-based): chr7:107,690,203, C>T. VCF-style: chr7-107690203-C-T. GRCh37 (hg19) VCF-style: chr7-107330648-C-T.
Other names: NM_000441.1(SLC26A4):c.1229C>T(p.Thr410Met); NM_000441.1(SLC26A4):c.1229C>T; short protein forms T410M.
Identifiers: ClinVar variation 43498 (VCV000043498.73), dbSNP rs111033220, ClinGen allele CA261403.
Genomic context (GRCh38, chr7:107,690,203, plus strand): 5'-TCAGCAACATCTTCTCAGGATTCTTCTCTTGTTTTGTGGCCACCACTGCTCTTTCCCGCA[C>T]GGCCGTCCAGGAGAGCACTGGAGGAAAGACACAGGTAGGAACAACAGCCTTATGATATCC-3'
Protein context (NP_000432.1, residues 400-420): CFVATTALSR[Thr410Met]AVQESTGGKT